The following is an entry in ClinVar:

NM_000460.4(THPO):c.639T>A (p.Thr213=)

Gene: THPO (thrombopoietin; minus strand). Cytogenetic location: 3q27.1.
Variant type: single nucleotide variant.
Coding change: c.639T>A on transcript NM_000460.4 (MANE Select); coding-DNA position 639, T replaced by A.
Protein change: p.Thr213=; no amino-acid change (threonine 213 retained).
Molecular consequence: synonymous variant. On other transcripts: missense variant (4).
Genome position (GRCh38, 1-based): chr3:184,372,936, A>T on the plus strand (T>A on the coding strand, the complement: THPO is on the minus strand). VCF-style: chr3-184372936-A-T. GRCh37 (hg19) VCF-style: chr3-184090724-A-T.
Other names: c.627T>A, p.Thr209= (NM_001177597.2, NM_001290022.1); c.622T>A, p.Tyr208Asn (NM_001177598.2, NM_001290026.1); c.523T>A, p.Tyr175Asn (NM_001289997.1, NM_001290027.1); c.639T>A, p.Thr213= (NM_001289998.1, NM_001290028.1, LRG_580t1); c.1059T>A, p.Thr353= (NM_001290003.1); c.639T>A (NM_000460.2); short protein forms Y208N, Y175N.
Identifiers: ClinVar variation 289179 (VCV000289179.44), dbSNP rs1042348, ClinGen allele CA2734900.
Genomic context (GRCh38, chr3:184,372,936, plus strand): 5'-CAGCAGACCAGGAATCTTGGCTCTGAATCCCTGCTGCCACTTCAGAAGCCCAGAGCCAGT[A>T]GTTCTGGCTGAGGCAGTGAAGTTTGTCTCCAACAATCCAGAAGTCCTGTTTGGGAGCTCG-3'
Protein context (NP_000451.1, residues 203-223): LETNFTASAR[Thr213=]TGSGLLKWQQ

ClinVar aggregate classification (germline): Conflicting classifications of pathogenicity. Review status: criteria provided, conflicting classifications (1 of 4 stars). 7 submissions from 7 submitters: Uncertain significance (1); Benign (1); Likely benign (4). 1 of the submissions does not count toward it. Last evaluated 2026-03-16.

Conditions:
Inborn genetic diseases. Identifiers: MedGen C0950123, MeSH D030342.
THPO-related disorder. Also called: THPO-related condition.

Allele frequency attached by ClinVar (database versions not stated): 1000 Genomes Project 30x 0.00016; 1000 Genomes Project 0.00020; ExAC 0.00055; gnomAD 0.00055 and 0.00057; gnomAD exomes 0.00055 and 0.00104; TOPMed 0.00058; ESP Exome Variant Server 0.00069.

Submissions (7):

Women's Health and Genetics/Laboratory Corporation of America, LabCorp
Classification: Likely benign. Last evaluated: 2026-03-16. Review status: criteria provided, single submitter. Criteria: LabCorp Variant Classification Summary - May 2015. Collection method: clinical testing. Allele origin: germline.

Labcorp Genetics (formerly Invitae), Labcorp
Classification: Benign. Last evaluated: 2025-12-29. Review status: criteria provided, single submitter. Criteria: Invitae Variant Classification Sherloc (09022015). Collection method: clinical testing. Allele origin: germline.

Blueprint Genetics
Classification: Likely benign. Last evaluated: 2024-11-25. Review status: criteria provided, single submitter. Criteria: ACMG Guidelines, 2015. Collection method: clinical testing. Allele origin: germline.

CeGaT Center for Human Genetics Tuebingen
Classification: Likely benign. Last evaluated: 2023-10-01. Review status: criteria provided, single submitter. Criteria: CeGaT Center For Human Genetics Tuebingen Variant Classification Criteria Version 2. Collection method: clinical testing. Allele origin: germline. Affected: yes. Observed: 2 variant alleles.
Comment: THPO: BP4

Ambry Genetics
Classification: Likely benign for Inborn genetic diseases. Last evaluated: 2023-05-22. Review status: criteria provided, single submitter. Criteria: Ambry Variant Classification Scheme 2023. Collection method: clinical testing. Allele origin: germline.

Eurofins Ntd Llc (ga)
Classification: Uncertain significance. Last evaluated: 2016-08-19. Review status: criteria provided, single submitter. Criteria: EGL Classification Definitions 2015. Collection method: clinical testing. Allele origin: germline. Observed: 1 variant allele, 1 heterozygote.

PreventionGenetics, part of Exact Sciences
Classification: Likely benign for THPO-related condition. Last evaluated: 2023-02-17. Review status: no assertion criteria provided. Collection method: clinical testing. Allele origin: germline. Not counted in ClinVar's aggregate classification.
Comment: This variant is classified as likely benign based on ACMG/AMP sequence variant interpretation guidelines (Richards et al. 2015 PMID: 25741868, with internal and published modifications).